The following is an entry in ClinVar:

ClinVar aggregate classification (germline): Likely benign. Review status: criteria provided, multiple submitters, no conflicts (2 of 4 stars). 3 submissions from 3 submitters: Likely benign (3). Last evaluated 2026-05-01.

gnomAD v4.1: 55 of 1,614,022 alleles (0.0034%); highest among the groups gnomAD compares: Non-Finnish European, 0.0044%; no homozygotes.

Submissions (3):

CeGaT Center for Human Genetics Tuebingen
Classification: Likely benign. Last evaluated: 2026-05-01. Review status: criteria provided, single submitter. Criteria: CeGaT Center For Human Genetics Tuebingen Variant Classification Criteria Version 2. Collection method: clinical testing. Allele origin: germline. Affected: yes. Observed: 1 variant allele.
Comment: NSD1: BP4, BP7

Labcorp Genetics (formerly Invitae), Labcorp
Classification: Likely benign. Last evaluated: 2025-05-22. Review status: criteria provided, single submitter. Criteria: Invitae Variant Classification Sherloc (09022015). Collection method: clinical testing. Allele origin: germline.

Blueprint Genetics
Classification: Likely benign. Last evaluated: 2021-05-20. Review status: criteria provided, single submitter. Criteria: ACMG Guidelines, 2015. Collection method: clinical testing. Allele origin: germline.

NM_022455.5(NSD1):c.6621C>T (p.Pro2207=)

Gene: NSD1 (nuclear receptor binding SET domain protein 1; plus strand). Cytogenetic location: 5q35.3.
Variant type: single nucleotide variant.
Coding change: c.6621C>T on transcript NM_022455.5 (MANE Select); coding-DNA position 6621, C replaced by T.
Protein change: p.Pro2207=; no amino-acid change (proline 2207 retained).
Molecular consequence: synonymous variant.
Genome position (GRCh38, 1-based): chr5:177,293,989, C>T. VCF-style: chr5-177293989-C-T. GRCh37 (hg19) VCF-style: chr5-176720990-C-T.
Other names: c.5748C>T, p.Pro1916= (NM_001365684.2, NM_001409308.1, NM_172349.5); c.6621C>T, p.Pro2207= (NM_001409301.1, NM_001409302.1, NM_001409303.1); c.6201C>T, p.Pro2067= (NM_001409304.1); c.5868C>T, p.Pro1956= (NM_001409305.1); c.5859C>T, p.Pro1953= (NM_001409306.1, NM_001409307.1); c.5499C>T, p.Pro1833= (NM_001409309.1).
Identifiers: ClinVar variation 3639958 (VCV003639958.5).